The following is an entry in ClinVar:

ClinVar aggregate classification (germline): Benign/Likely benign. Review status: criteria provided, multiple submitters, no conflicts (2 of 4 stars). 4 submissions from 4 submitters: Benign (2); Likely benign (1). 1 of the submissions does not count toward it. Last evaluated 2026-01-04.

Conditions:
RINT1-related disorder. Also called: RINT1-related condition.

Allele frequency attached by ClinVar (database versions not stated): 1000 Genomes Project 0.00339; 1000 Genomes Project 30x 0.00344; gnomAD 0.00460 and 0.00507; TOPMed 0.00514; ESP Exome Variant Server 0.00569; gnomAD exomes 0.00045 and 0.00120; ExAC 0.00147.
gnomAD v4.1: 1,384 of 1,614,140 alleles (0.086%); highest among the groups gnomAD compares: African/African-American, 1.7%; 16 homozygotes.

Submissions (4):

Labcorp Genetics (formerly Invitae), Labcorp
Classification: Benign. Last evaluated: 2026-01-04. Review status: criteria provided, single submitter. Criteria: Invitae Variant Classification Sherloc (09022015). Collection method: clinical testing. Allele origin: germline.

Ambry Genetics
Classification: Likely benign. Last evaluated: 2020-08-13. Review status: criteria provided, single submitter. Criteria: Ambry Variant Classification Scheme 2023. Collection method: clinical testing. Allele origin: germline.

Breakthrough Genomics
Classification: Benign. Review status: criteria provided, single submitter. Criteria: ACMG Guidelines, 2015. Collection method: not provided. Allele origin: germline. Inheritance: Autosomal recessive inheritance. Affected: yes.

PreventionGenetics, part of Exact Sciences
Classification: Benign for RINT1-related condition. Last evaluated: 2019-07-29. Review status: no assertion criteria provided. Collection method: clinical testing. Allele origin: germline. Not counted in ClinVar's aggregate classification.
Comment: This variant is classified as benign based on ACMG/AMP sequence variant interpretation guidelines (Richards et al. 2015 PMID: 25741868, with internal and published modifications).

NM_021930.6(RINT1):c.375T>C (p.Thr125=)

Gene: RINT1 (RAD50 interactor 1; plus strand). Cytogenetic location: 7q22.3.
Variant type: single nucleotide variant.
Coding change: c.375T>C on transcript NM_021930.6 (MANE Select); coding-DNA position 375, T replaced by C.
Protein change: p.Thr125=; no amino-acid change (threonine 125 retained).
Molecular consequence: synonymous variant. On other transcripts: 5 prime UTR variant (3), non-coding transcript variant (1).
Genome position (GRCh38, 1-based): chr7:105,542,509, T>C. VCF-style: chr7-105542509-T-C. GRCh37 (hg19) VCF-style: chr7-105182956-T-C.
Other names: c.141T>C, p.Thr47= (NM_001346599.2); c.-645T>C (NM_001346600.2); c.-548T>C (NM_001346601.2); c.-168T>C (NM_001346603.2); c.375T>C (NM_021930.5).
Identifiers: ClinVar variation 416387 (VCV000416387.17), dbSNP rs34064404, ClinGen allele CA4426410.
Genomic context (GRCh38, chr7:105,542,509, plus strand): 5'-TGCCTTAAAAAATGCAGAAGAATCAAAGCAATTTCTTAATCAGTTTCTGGAGCAGGAAAC[T>C]CATCTCTTCAGCGCCATTAACAGCCATTTGCTGACTGCGCAACCTTGGATGGACGATCTT-3'
Protein context (NP_068749.3, residues 115-135): QFLNQFLEQE[Thr125=]HLFSAINSHL